The following is an entry in ClinVar:

ClinVar aggregate classification (germline): Likely pathogenic (1 of 4 stars; one submission).

Conditions:
Sulfite oxidase deficiency due to molybdenum cofactor deficiency type A. Also called: Molybdenum cofactor deficiency, complementation group A; Molybdenum Cofactor Deficiency A. Identifiers: Orphanet 308386, Orphanet 833, MedGen C1854988, MONDO:0009643, OMIM 252150.

Submission:

Labcorp Genetics (formerly Invitae), Labcorp
Classification: Likely pathogenic for Sulfite oxidase deficiency due to molybdenum cofactor deficiency type A. Last evaluated: 2024-11-28. Review status: criteria provided, single submitter. Criteria: Invitae Variant Classification Sherloc (09022015). Collection method: clinical testing. Allele origin: germline.
Comment: This sequence change affects an acceptor splice site in intron 1 of the MOCS1 gene. It is expected to disrupt RNA splicing. Variants that disrupt the donor or acceptor splice site typically lead to a loss of protein function (PMID: 16199547), and loss-of-function variants in MOCS1 are known to be pathogenic (PMID: 12754701, 16021469). This variant is not present in population databases (gnomAD no frequency). This variant has not been reported in the literature in individuals affected with MOCS1-related conditions. Algorithms developed to predict the effect of sequence changes on RNA splicing suggest that this variant may disrupt the consensus splice site. In summary, the currently available evidence indicates that the variant is pathogenic, but additional data are needed to prove that conclusively. Therefore, this variant has been classified as Likely Pathogenic.

Literature cited by the submitters: PubMed 16199547; PubMed 12754701; PubMed 16021469.

NM_001358530.2(MOCS1):c.124-1G>A

Gene: MOCS1 (molybdenum cofactor synthesis 1; minus strand). Cytogenetic location: 6p21.2.
Variant type: single nucleotide variant.
Coding change: c.124-1G>A on transcript NM_001358530.2 (MANE Select); the canonical splice acceptor site of the intron before coding-DNA position 124, G replaced by A.
Molecular consequence: splice acceptor variant. On other transcripts: synonymous variant (1), intron variant (2).
Genome position (GRCh38, 1-based): chr6:39,927,456, C>T on the plus strand (G>A on the coding strand, the complement: MOCS1 is on the minus strand). VCF-style: chr6-39927456-C-T. GRCh37 (hg19) VCF-style: chr6-39895195-C-T.
Other names: c.123G>A, p.Gln41= (NM_005943.6); c.-11-1611G>A (NM_001358531.2, NM_001358533.2); c.124-1G>A (NM_001358529.2, NM_001075098.4); c.-138-1G>A (NM_001358534.2).
Identifiers: ClinVar variation 3726356 (VCV003726356.2).